The following is an entry in ClinVar:

ClinVar aggregate classification (germline): Likely benign (1 of 4 stars; one submission).

Conditions:
Gamma-aminobutyric acid transaminase deficiency (GABATD). Also called: GABA aminotransaminase deficiency; GABA transaminase deficiency; Gamma aminobutyrate transaminase deficiency; 4 alpha aminobutyrate transaminase deficiency. Identifiers: Orphanet 2066, MedGen C0342708, MONDO:0013166, OMIM 613163.

Allele frequency attached by ClinVar (database versions not stated): 1000 Genomes Project 0.00160; 1000 Genomes Project 30x 0.00203; TOPMed 0.00546; gnomAD 0.00680 and 0.00704; gnomAD exomes 0.01613.
gnomAD v4.1: 1,022 of 152,394 alleles (0.67%); highest among the groups gnomAD compares: Non-Finnish European, 1.1%; 3 homozygotes.

Submission:

Illumina Laboratory Services, Illumina
Classification: Likely benign for Gamma-aminobutyric acid transaminase deficiency. Last evaluated: 2018-01-12. Review status: criteria provided, single submitter. Criteria: ICSL Variant Classification Criteria 13 December 2019. Collection method: clinical testing. Allele origin: germline.
Comment: This variant was observed in the ICSL laboratory as part of a predisposition screen in an ostensibly healthy population. It had not been previously curated by ICSL or reported in the Human Gene Mutation Database (HGMD: prior to June 1st, 2018), and was therefore a candidate for classification through an automated scoring system. Utilizing variant allele frequency, disease prevalence and penetrance estimates, and inheritance mode, an automated score was calculated to assess if this variant is too frequent to cause the disease. Based on the score and internal cut-off values, a variant classified as likely benign is not then subjected to further curation. The score for this variant resulted in a classification of likely benign for this disease.

NM_020686.6(ABAT):c.*1202G>A

Gene: ABAT (4-aminobutyrate aminotransferase; plus strand). Cytogenetic location: 16p13.2.
Variant type: single nucleotide variant.
Coding change: c.*1202G>A on transcript NM_020686.6 (MANE Select); 1202 bases downstream of the stop codon, G replaced by A.
Molecular consequence: 3 prime UTR variant.
Genome position (GRCh38, 1-based): chr16:8,782,632, G>A. VCF-style: chr16-8782632-G-A. GRCh37 (hg19) VCF-style: chr16-8876489-G-A.
Other names: c.*1202G>A (NM_000663.5, NM_001127448.2, NM_001386600.1 and 14 more transcripts); c.*1216G>A (NM_001386609.1, NM_001386616.1).
Identifiers: ClinVar variation 321114 (VCV000321114.5), dbSNP rs75730008, ClinGen allele CA10644443.